The following is an entry in ClinVar:

ClinVar aggregate classification (germline): Likely benign (1 of 4 stars; one submission).

gnomAD v4.1: 3 of 1,613,042 alleles (0.00019%); highest among the groups gnomAD compares: Middle Eastern, 0.017%; no homozygotes.

Submission:

CeGaT Center for Human Genetics Tuebingen
Classification: Likely benign. Last evaluated: 2022-11-01. Review status: criteria provided, single submitter. Criteria: CeGaT Center For Human Genetics Tuebingen Variant Classification Criteria Version 2. Collection method: clinical testing. Allele origin: germline. Affected: yes. Observed: 1 variant allele.
Comment: DLEC1: PM2:Supporting, BP4, BP7

NM_007335.4(DLEC1):c.1203G>C (p.Thr401=)

Gene: DLEC1 (DLEC1 cilia and flagella associated protein; plus strand). Cytogenetic location: 3p22.2.
Variant type: single nucleotide variant.
Coding change: c.1203G>C on transcript NM_007335.4 (MANE Select); coding-DNA position 1203, G replaced by C.
Protein change: p.Thr401=; no amino-acid change (threonine 401 retained).
Molecular consequence: synonymous variant.
Genome position (GRCh38, 1-based): chr3:38,084,187, G>C. VCF-style: chr3-38084187-G-C. GRCh37 (hg19) VCF-style: chr3-38125678-G-C.
Other names: c.1203G>C, p.Thr401= (NM_001321153.2, NM_005106.2, NM_007337.4).
Identifiers: ClinVar variation 2653663 (VCV002653663.24), dbSNP rs774794193, ClinGen allele CA433112228.